The following is an entry in ClinVar:

NM_001370100.5(ZMYND11):c.277-2718C>T

Gene: ZMYND11 (zinc finger MYND-type containing 11; plus strand). Cytogenetic location: 10p15.3.
Variant type: single nucleotide variant.
Coding change: c.277-2718C>T on transcript NM_001370100.5 (MANE Select); 2718 bases into the intron before coding-DNA position 277, C replaced by T.
Molecular consequence: intron variant.
Genome position (GRCh38, 1-based): chr10:218,477, C>T. VCF-style: chr10-218477-C-T. GRCh37 (hg19) VCF-style: chr10-264417-C-T.
Other names: c.276+8429C>T (NM_001370103.2, NM_001370104.2, NM_001370105.2 and 11 more transcripts); c.277-2718C>T (NM_006624.7, NM_001370119.2, NM_001370098.2 and 10 more transcripts); c.157-2718C>T (NM_001370118.2); c.226-2718C>T (NM_001330057.3, NM_001370112.2); c.211-2718C>T (NM_001370116.2); c.210+8429C>T (NM_001370120.2); c.-33-18361C>T (NM_001370124.3); c.225+8429C>T (NM_001370123.2); and 1 more.
Identifiers: ClinVar variation 2640264 (VCV002640264.24), dbSNP rs147814244, ClinGen allele CA5378885.

ClinVar aggregate classification (germline): Benign (1 of 4 stars; one submission).

Allele frequency attached by ClinVar (database versions not stated): gnomAD exomes 0.00006; ExAC 0.00065; 1000 Genomes Project 30x 0.00125; 1000 Genomes Project 0.00160.
gnomAD v4.1: 149 of 393,638 alleles (0.038%); highest among the groups gnomAD compares: African/African-American, 0.29%; no homozygotes.

Submission:

CeGaT Center for Human Genetics Tuebingen
Classification: Benign. Last evaluated: 2022-09-01. Review status: criteria provided, single submitter. Criteria: CeGaT Center For Human Genetics Tuebingen Variant Classification Criteria Version 2. Collection method: clinical testing. Allele origin: germline. Affected: yes. Observed: 1 variant allele.
Comment: ZMYND11: BS1, BS2